The following is an entry in ClinVar:

ClinVar aggregate classification (germline): Pathogenic (1 of 4 stars; one submission).

Conditions:
Early-infantile DEE. Also called: Ohtahara syndrome; Early infantile epileptic encephalopathy; Early infantile epileptic encephalopathy with suppression bursts. Identifiers: Orphanet 1934, MedGen C0393706, MONDO:0800491.

Submission:

Labcorp Genetics (formerly Invitae), Labcorp
Classification: Pathogenic for Early-infantile DEE. Last evaluated: 2025-02-12. Review status: criteria provided, single submitter. Criteria: Invitae Variant Classification Sherloc (09022015). Collection method: clinical testing. Allele origin: germline.
Comment: This sequence change replaces methionine, which is neutral and non-polar, with isoleucine, which is neutral and non-polar, at codon 578 of the KCNQ2 protein (p.Met578Ile). This variant is not present in population databases (gnomAD no frequency). This missense change has been observed in individual(s) with early infantile epileptic encephalopathy (PMID: 24371303). In at least one individual the variant was observed to be de novo. ClinVar contains an entry for this variant (Variation ID: 1458160). Invitae Evidence Modeling of protein sequence and biophysical properties (such as structural, functional, and spatial information, amino acid conservation, physicochemical variation, residue mobility, and thermodynamic stability) indicates that this missense variant is expected to disrupt KCNQ2 protein function with a positive predictive value of 95%. This variant disrupts the p.Met578 amino acid residue in KCNQ2. Other variant(s) that disrupt this residue have been determined to be pathogenic (PMID: 25982755; internal data). This suggests that this residue is clinically significant, and that variants that disrupt this residue are likely to be disease-causing. For these reasons, this variant has been classified as Pathogenic.

Literature cited by the submitters: PubMed 24371303; PubMed 25982755.

NM_172107.4(KCNQ2):c.1734G>A (p.Met578Ile)

Gene: KCNQ2 (potassium voltage-gated channel subfamily Q member 2; minus strand). Cytogenetic location: 20q13.33.
Variant type: single nucleotide variant.
Coding change: c.1734G>A on transcript NM_172107.4 (MANE Select); coding-DNA position 1734, G replaced by A.
Protein change: p.Met578Ile; replaces methionine 578 with isoleucine.
Molecular consequence: missense variant.
Genome position (GRCh38, 1-based): chr20:63,413,479, C>T on the plus strand (G>A on the coding strand, the complement: KCNQ2 is on the minus strand). VCF-style: chr20-63413479-C-T. GRCh37 (hg19) VCF-style: chr20-62044832-C-T.
Other names: c.1650G>A, p.Met550Ile (NM_004518.6); c.1680G>A, p.Met560Ile (NM_172106.3); c.1641G>A, p.Met547Ile (NM_172108.5); short protein forms M578I, M550I, M560I, M547I.
Identifiers: ClinVar variation 1458160 (VCV001458160.9), dbSNP rs796052655, ClinGen allele CA16609838.